The following is an entry in ClinVar:

ClinVar aggregate classification (germline): Uncertain significance. Review status: criteria provided, multiple submitters, no conflicts (2 of 4 stars). 2 submissions from 2 submitters: Uncertain significance (2). Last evaluated 2026-08-04.

Conditions:
SCLT1-related disorder. Also called: SCLT1-related condition.

Submissions (2):

PreventionGenetics, part of Exact Sciences
Classification: Uncertain significance for SCLT1-related condition. Last evaluated: 2026-08-04. Review status: criteria provided, single submitter. Criteria: ACMG Guidelines, 2015. Collection method: clinical testing. Allele origin: germline.
Comment: The SCLT1 c.784G>A variant is predicted to result in the amino acid substitution p.Asp262Asn. To our knowledge, this variant has not been reported in the literature. This variant is reported in 0.0080% of alleles in individuals of African descent in gnomAD. At this time, the clinical significance of this variant is uncertain due to the absence of conclusive functional and genetic evidence.

Blueprint Genetics
Classification: Uncertain significance. Last evaluated: 2024-08-23. Review status: criteria provided, single submitter. Criteria: ACMG Guidelines, 2015. Collection method: clinical testing. Allele origin: germline.

NM_144643.4(SCLT1):c.784G>A (p.Asp262Asn)

Gene: SCLT1 (sodium channel and clathrin linker 1; minus strand). Cytogenetic location: 4q28.2.
Variant type: single nucleotide variant.
Coding change: c.784G>A on transcript NM_144643.4 (MANE Select); coding-DNA position 784, G replaced by A.
Protein change: p.Asp262Asn; replaces aspartic acid 262 with asparagine.
Molecular consequence: missense variant.
Genome position (GRCh38, 1-based): chr4:128,965,312, C>T on the plus strand (G>A on the coding strand, the complement: SCLT1 is on the minus strand). VCF-style: chr4-128965312-C-T. GRCh37 (hg19) VCF-style: chr4-129886467-C-T.
Other names: c.784G>A, p.Asp262Asn (NM_001410807.1); c.784G>A (NM_144643.3); short protein forms D262N.
Identifiers: ClinVar variation 4968638 (VCV004968638.2).